The following is an entry in ClinVar:

ClinVar aggregate classification (germline): Pathogenic/Likely pathogenic. Review status: criteria provided, multiple submitters, no conflicts (2 of 4 stars). 2 submissions from 2 submitters: Pathogenic (1); Likely pathogenic (1). Last evaluated 2024-03-19.

Conditions:
ALG6-congenital disorder of glycosylation 1C (CDG1C). Also called: CARBOHYDRATE-DEFICIENT GLYCOPROTEIN SYNDROME, TYPE I, WITH DEFICIENT GLYCOSYLATION OF DOLICHOL-LINKED OLIGOSACCHARIDE; CARBOHYDRATE-DEFICIENT GLYCOPROTEIN SYNDROME, TYPE V; Congenital disorder of glycosylation type 1C; CDG Ic; Congenital disorder of glycosylation, type Ic. Identifiers: Orphanet 79320, MedGen C2930997, MONDO:0011291, OMIM 603147.

Submissions (2):

Natera, Inc.
Classification: Likely pathogenic for Congenital disorder of glycosylation type 1c. Last evaluated: 2024-03-19. Review status: criteria provided, single submitter. Criteria: Natera Variant Classification Schema (03/2026). Collection method: clinical testing. Allele origin: germline.
Comment: The c.1000delCinsGG variant in ALG6 is a frameshift variant predicted to shift the reading frame beginning at codon 334 and leads to a stop codon 12 codons downstream. This variant is expected to result in nonsense mediated decay, truncation, or a dysfunctional protein product. This variant is rare in the general population with a frequency below the threshold expected for the associated phenotype(s). Given the available evidence, this variant is classified as Likely Pathogenic.

Labcorp Genetics (formerly Invitae), Labcorp
Classification: Pathogenic for ALG6-congenital disorder of glycosylation 1C. Last evaluated: 2023-07-25. Review status: criteria provided, single submitter. Criteria: Invitae Variant Classification Sherloc (09022015). Collection method: clinical testing. Allele origin: germline.
Comment: For these reasons, this variant has been classified as Pathogenic. This variant has not been reported in the literature in individuals affected with ALG6-related conditions. Information on the frequency of this variant in the gnomAD database is not available, as this variant may be reported differently in the database. This sequence change creates a premature translational stop signal (p.Leu334Glyfs*12) in the ALG6 gene. It is expected to result in an absent or disrupted protein product. Loss-of-function variants in ALG6 are known to be pathogenic (PMID: 19862844).

Literature cited by the submitters: PubMed 19862844 (cited by Labcorp Genetics (formerly Invitae), Labcorp).

NM_013339.4(ALG6):c.1000delinsGG (p.Leu334fs)

Gene: ALG6 (ALG6 alpha-1,3-glucosyltransferase; plus strand). Cytogenetic location: 1p31.3.
Variant type: Indel.
Coding change: c.1000delinsGG on transcript NM_013339.4 (MANE Select); coding-DNA position 1000, C replaced by GG.
Protein change: p.Leu334fs; shifts the reading frame from leucine 334.
Molecular consequence: frameshift variant.
Genome position (GRCh38, 1-based): chr1:63,419,382, C replaced by GG. VCF-style: chr1-63419382-C-GG. GRCh37 (hg19) VCF-style: chr1-63885053-C-GG.
Other names: c.1000delCinsGG (NM_013339.3); short protein forms L334fs.
Identifiers: ClinVar variation 3010203 (VCV003010203.4), dbSNP rs2523768305, ClinGen allele CA2740090747.